The following is an entry in ClinVar:

ClinVar aggregate classification (germline): Benign. Review status: criteria provided, single submitter (1 of 4 stars). 2 submissions from 2 submitters: Benign (1). 1 of the submissions does not count toward it. Last evaluated 2026-08-07.

Conditions:
POLQ-related disorder. Also called: POLQ-related condition.
Familial cancer of breast. Also called: hereditary breast carcinoma; BREAST CANCER, FAMILIAL; Hereditary breast cancer. Identifiers: Orphanet 227535, MedGen C0346153, MONDO:0016419, OMIM 114480. Disease mechanism: loss of function.

Allele frequency attached by ClinVar (database versions not stated): 1000 Genomes Project 30x 0.08760; 1000 Genomes Project 0.08446; TOPMed 0.10299; ExAC 0.06588; gnomAD 0.09820; ESP Exome Variant Server 0.10956.

Submissions (2):

Genomic Medicine Laboratory, Hospital de Clinicas de Porto Alegre
Classification: Benign for Familial cancer of breast. Last evaluated: 2026-08-07. Review status: criteria provided, single submitter. Criteria: ACGS UK Practice Guidelines For Variant Classification V12 2024. Collection method: research. Allele origin: germline. Affected: yes. Observed: 1 variant allele.
Comment: BA1: Allele frequency is above 5%

PreventionGenetics, part of Exact Sciences
Classification: Benign for POLQ-related condition. Last evaluated: 2019-10-28. Review status: no assertion criteria provided. Collection method: clinical testing. Allele origin: germline. Not counted in ClinVar's aggregate classification.
Comment: This variant is classified as benign based on ACMG/AMP sequence variant interpretation guidelines (Richards et al. 2015 PMID: 25741868, with internal and published modifications).

NM_199420.4(POLQ):c.7612C>G (p.Leu2538Val)

Gene: POLQ (DNA polymerase theta; minus strand). Cytogenetic location: 3q13.33.
Variant type: single nucleotide variant.
Coding change: c.7612C>G on transcript NM_199420.4 (MANE Select); coding-DNA position 7612, C replaced by G.
Protein change: p.Leu2538Val; replaces leucine 2538 with valine.
Molecular consequence: missense variant.
Genome position (GRCh38, 1-based): chr3:121,432,965, G>C on the plus strand (C>G on the coding strand, the complement: POLQ is on the minus strand). VCF-style: chr3-121432965-G-C. GRCh37 (hg19) VCF-style: chr3-121151812-G-C.
Other names: short protein forms L2538V.
Identifiers: ClinVar variation 3056748 (VCV003056748.3), dbSNP rs3218634, ClinGen allele CA2562122.